The following is an entry in ClinVar:

NM_178138.6(LHX3):c.580A>G (p.Thr194Ala)

Gene: LHX3 (LIM homeobox 3; minus strand). Cytogenetic location: 9q34.3.
Variant type: single nucleotide variant.
Coding change: c.580A>G on transcript NM_178138.6 (MANE Select); coding-DNA position 580, A replaced by G.
Protein change: p.Thr194Ala; replaces threonine 194 with alanine.
Molecular consequence: missense variant.
Genome position (GRCh38, 1-based): chr9:136,198,934, T>C on the plus strand (A>G on the coding strand, the complement: LHX3 is on the minus strand). VCF-style: chr9-136198934-T-C. GRCh37 (hg19) VCF-style: chr9-139090780-T-C.
Other names: c.547A>G, p.Thr183Ala (NM_001363746.1); c.595A>G, p.Thr199Ala (NM_014564.5); short protein forms T199A, T194A, T183A.
Identifiers: ClinVar variation 4745624 (VCV004745624.1).

ClinVar aggregate classification (germline): Uncertain significance (1 of 4 stars; one submission).

gnomAD v4.1: 3 of 1,588,622 alleles (0.00019%); highest among the groups gnomAD compares: Non-Finnish European, 0.00026%; no homozygotes.

Submission:

Labcorp Genetics (formerly Invitae), Labcorp
Classification: Uncertain significance. Last evaluated: 2025-06-02. Review status: criteria provided, single submitter. Criteria: Invitae Variant Classification Sherloc (09022015). Collection method: clinical testing. Allele origin: germline.
Comment: This sequence change replaces threonine, which is neutral and polar, with alanine, which is neutral and non-polar, at codon 199 of the LHX3 protein (p.Thr199Ala). This variant is not present in population databases (gnomAD no frequency). This variant has not been reported in the literature in individuals affected with LHX3-related conditions. An algorithm developed to predict the effect of missense changes on protein structure and function (PolyPhen-2) suggests that this variant is likely to be disruptive. In summary, the available evidence is currently insufficient to determine the role of this variant in disease. Therefore, it has been classified as a Variant of Uncertain Significance.